The following is an entry in ClinVar:

ClinVar aggregate classification (germline): Uncertain significance (1 of 4 stars; one submission).

Conditions:
ARID1A-related disorder. Also called: ARID1A-related condition.

Allele frequency attached by ClinVar (database versions not stated): gnomAD exomes below 0.00001.

Submission:

PreventionGenetics, part of Exact Sciences
Classification: Uncertain significance for ARID1A-related condition. Last evaluated: 2023-06-05. Review status: criteria provided, single submitter. Criteria: ACMG Guidelines, 2015. Collection method: clinical testing. Allele origin: germline.
Comment: The ARID1A c.2492G>A variant is predicted to result in the amino acid substitution p.Gly831Asp. To our knowledge, this variant has not been reported in the literature or in a large population database, indicating this variant is rare. At this time, the clinical significance of this variant is uncertain due to the absence of conclusive functional and genetic evidence.

NM_006015.6(ARID1A):c.2492G>A (p.Gly831Asp)

Gene: ARID1A (AT-rich interaction domain 1A; plus strand). Cytogenetic location: 1p36.11.
Variant type: single nucleotide variant.
Coding change: c.2492G>A on transcript NM_006015.6 (MANE Select); coding-DNA position 2492, G replaced by A.
Protein change: p.Gly831Asp; replaces glycine 831 with aspartic acid.
Molecular consequence: missense variant.
Genome position (GRCh38, 1-based): chr1:26,763,045, G>A. VCF-style: chr1-26763045-G-A. GRCh37 (hg19) VCF-style: chr1-27089536-G-A.
Other names: c.2492G>A, p.Gly831Asp (NM_139135.4); short protein forms G831D.
Identifiers: ClinVar variation 2632797 (VCV002632797.1), dbSNP rs2124068288, ClinGen allele CA339156473.